The following is an entry in ClinVar:

ClinVar aggregate classification (germline): Uncertain significance. Review status: criteria provided, multiple submitters, no conflicts (2 of 4 stars). 2 submissions from 2 submitters: Uncertain significance (2). Last evaluated 2025-09-26.

Conditions:
Inborn genetic diseases. Identifiers: MedGen C0950123, MeSH D030342.

Allele frequency attached by ClinVar (database versions not stated): gnomAD exomes below 0.00001; TOPMed below 0.00001.

Submissions (2):

Labcorp Genetics (formerly Invitae), Labcorp
Classification: Uncertain significance. Last evaluated: 2025-09-26. Review status: criteria provided, single submitter. Criteria: Invitae Variant Classification Sherloc (09022015). Collection method: clinical testing. Allele origin: germline.
Comment: This sequence change replaces methionine, which is neutral and non-polar, with threonine, which is neutral and polar, at codon 188 of the GNB3 protein (p.Met188Thr). This variant is not present in population databases (gnomAD no frequency). This variant has not been reported in the literature in individuals affected with GNB3-related conditions. ClinVar contains an entry for this variant (Variation ID: 1482452). Invitae Evidence Modeling of protein sequence and biophysical properties (such as structural, functional, and spatial information, amino acid conservation, physicochemical variation, residue mobility, and thermodynamic stability) indicates that this missense variant is not expected to disrupt GNB3 protein function with a negative predictive value of 80%. In summary, the available evidence is currently insufficient to determine the role of this variant in disease. Therefore, it has been classified as a Variant of Uncertain Significance.

Ambry Genetics
Classification: Uncertain significance for Inborn genetic diseases. Last evaluated: 2021-07-20. Review status: criteria provided, single submitter. Criteria: Ambry Variant Classification Scheme 2023. Collection method: clinical testing. Allele origin: germline.

NM_002075.4(GNB3):c.563T>C (p.Met188Thr)

Gene: GNB3 (G protein subunit beta 3; plus strand). Cytogenetic location: 12p13.31.
Variant type: single nucleotide variant.
Coding change: c.563T>C on transcript NM_002075.4 (MANE Select); coding-DNA position 563, T replaced by C.
Protein change: p.Met188Thr; replaces methionine 188 with threonine.
Molecular consequence: missense variant.
Genome position (GRCh38, 1-based): chr12:6,843,842, T>C. VCF-style: chr12-6843842-T-C. GRCh37 (hg19) VCF-style: chr12-6953006-T-C.
Other names: c.560T>C, p.Met187Thr (NM_001297571.2); c.563T>C (NM_002075.2); short protein forms M187T, M188T.
Identifiers: ClinVar variation 1482452 (VCV001482452.9), dbSNP rs1943625433, ClinGen allele CA383673300.